The following is an entry in ClinVar:

NM_004972.4(JAK2):c.44C>T (p.Ser15Phe)

Genes: INSL6 (insulin like 6; minus strand), JAK2 (Janus kinase 2; plus strand). Cytogenetic location: 9p24.1.
Variant type: single nucleotide variant.
Coding change: c.44C>T on transcript NM_004972.4 (MANE Select); coding-DNA position 44, C replaced by T.
Protein change: p.Ser15Phe; replaces serine 15 with phenylalanine.
Molecular consequence: missense variant. On other transcripts: 5 prime UTR variant (2), non-coding transcript variant (2).
Genome position (GRCh38, 1-based): chr9:5,022,031, C>T. VCF-style: chr9-5022031-C-T. GRCh37 (hg19) VCF-style: chr9-5022031-C-T.
Other names: c.44C>T, p.Ser15Phe (NM_001322194.2, NM_001322195.2, NM_001322196.2); c.-1077C>T (NM_001322198.2, NM_001322199.2); short protein forms S15F.
Identifiers: ClinVar variation 3712395 (VCV003712395.2).

ClinVar aggregate classification (germline): Uncertain significance (1 of 4 stars; one submission).

gnomAD v4.1: 81 of 1,613,988 alleles (0.005%); highest among the groups gnomAD compares: Non-Finnish European, 0.0069%; no homozygotes.

Submission:

Labcorp Genetics (formerly Invitae), Labcorp
Classification: Uncertain significance. Last evaluated: 2026-01-06. Review status: criteria provided, single submitter. Criteria: Invitae Variant Classification Sherloc (09022015). Collection method: clinical testing. Allele origin: germline.
Comment: This sequence change replaces serine, which is neutral and polar, with phenylalanine, which is neutral and non-polar, at codon 15 of the JAK2 protein (p.Ser15Phe). This variant is present in population databases (rs200322825, gnomAD 0.004%). This variant has not been reported in the literature in individuals affected with JAK2-related conditions. ClinVar contains an entry for this variant (Variation ID: 3712395). An algorithm developed to predict the effect of missense changes on protein structure and function (PolyPhen-2) suggests that this variant is likely to be tolerated. In summary, the available evidence is currently insufficient to determine the role of this variant in disease. Therefore, it has been classified as a Variant of Uncertain Significance.